The following is an entry in ClinVar:

NM_004336.5(BUB1):c.2915A>G (p.Gln972Arg)

Gene: BUB1 (BUB1 mitotic checkpoint serine/threonine kinase; minus strand). Cytogenetic location: 2q13.
Variant type: single nucleotide variant.
Coding change: c.2915A>G on transcript NM_004336.5 (MANE Select); coding-DNA position 2915, A replaced by G.
Protein change: p.Gln972Arg; replaces glutamine 972 with arginine.
Molecular consequence: missense variant.
Genome position (GRCh38, 1-based): chr2:110,641,074, T>C on the plus strand (A>G on the coding strand, the complement: BUB1 is on the minus strand). VCF-style: chr2-110641074-T-C. GRCh37 (hg19) VCF-style: chr2-111398651-T-C.
Other names: c.2855A>G, p.Gln952Arg (NM_001278616.2); c.2744A>G, p.Gln915Arg (NM_001278617.2); short protein forms Q952R, Q915R, Q972R.
Identifiers: ClinVar variation 1797619 (VCV001797619.2), dbSNP rs1231002459, ClinGen allele CA348089016.

ClinVar aggregate classification (germline): Uncertain significance (1 of 4 stars; one submission).

Allele frequency attached by ClinVar (database versions not stated): gnomAD exomes below 0.00001; gnomAD 0.00001; TOPMed 0.00001.
gnomAD v4.1: 6 of 1,608,656 alleles (0.00037%); highest among the groups gnomAD compares: African/African-American, 0.0013%; no homozygotes.

Submission:

Ambry Genetics
Classification: Uncertain significance. Last evaluated: 2023-10-06. Review status: criteria provided, single submitter. Criteria: Ambry Variant Classification Scheme 2023. Collection method: clinical testing. Allele origin: germline.
Comment: The p.Q972R variant (also known as c.2915A>G), located in coding exon 23 of the BUB1 gene, results from an A to G substitution at nucleotide position 2915. The glutamine at codon 972 is replaced by arginine, an amino acid with highly similar properties. This amino acid position is conserved. In addition, this alteration is predicted to be deleterious by in silico analysis. Since supporting evidence is limited at this time, the clinical significance of this alteration remains unclear.